The following is an entry in ClinVar:

ClinVar aggregate classification (germline): Pathogenic (1 of 4 stars; one submission).

Submission:

GeneDx
Classification: Pathogenic. Last evaluated: 2020-04-02. Review status: criteria provided, single submitter. Criteria: GeneDx Variant Classification Process June 2021. Collection method: clinical testing. Allele origin: germline. Affected: yes.
Comment: Nonsense variant predicted to result in protein truncation or nonsense mediated decay in a gene for which loss-of-function is a known mechanism of disease; Not observed in large population cohorts (Lek et al., 2016); Has not been previously published as pathogenic or benign to our knowledge

NM_004523.4(KIF11):c.2649del (p.Gln883_Met884insTer)

Gene: KIF11 (kinesin family member 11; plus strand). Cytogenetic location: 10q23.33.
Variant type: Deletion.
Coding change: c.2649del on transcript NM_004523.4 (MANE Select); coding-DNA position 2649, one base deleted (G; older notation c.2649delG).
Protein change: p.Gln883_Met884insTer.
Molecular consequence: frameshift variant.
Genome position (GRCh38, 1-based): chr10:92,648,313, G deleted. VCF-style (leftmost placement, unchanged base first): chr10-92648312-AG-A. GRCh37 (hg19) VCF-style: chr10-94408069-AG-A.
Other names: c.2649delG (NM_004523.3).
Identifiers: ClinVar variation 817004 (VCV000817004.3), dbSNP rs1589607930, ClinGen allele CA915947507.
Genomic context (GRCh38, chr10:92,648,312, plus strand): 5'-CTGAGAAATCAGATGGACGTAAGGCAGCTCATGAGAAACAGCATAACATTTTTCTTGATC[AG>A]ATGACTATTGATGAAGATAAATTGATAGCACAAAATCTAGAACTTAATGAAACCATAAAA-3'